The following is an entry in ClinVar:

ClinVar aggregate classification (germline): Likely benign. Review status: criteria provided, multiple submitters, no conflicts (2 of 4 stars). 2 submissions from 2 submitters: Likely benign (2). Last evaluated 2023-12-20.

Allele frequency attached by ClinVar (database versions not stated): gnomAD 0.00002; TOPMed 0.00004.
gnomAD v4.1: 22 of 1,231,124 alleles (0.0018%); highest among the groups gnomAD compares: Non-Finnish European, 0.0021%; no homozygotes.

Submissions (2):

Blueprint Genetics
Classification: Likely benign. Last evaluated: 2023-12-20. Review status: criteria provided, single submitter. Criteria: ACMG Guidelines, 2015. Collection method: clinical testing. Allele origin: germline.

CeGaT Center for Human Genetics Tuebingen
Classification: Likely benign. Last evaluated: 2023-10-01. Review status: criteria provided, single submitter. Criteria: CeGaT Center For Human Genetics Tuebingen Variant Classification Criteria Version 2. Collection method: clinical testing. Allele origin: germline. Affected: yes. Observed: 1 variant allele.
Comment: PDE4D: BP4

NM_001104631.2(PDE4D):c.456-214331G>A

Gene: PDE4D (phosphodiesterase 4D; minus strand). Cytogenetic location: 5q11.2.
Variant type: single nucleotide variant.
Coding change: c.456-214331G>A on transcript NM_001104631.2 (MANE Select); 214331 bases into the intron before coding-DNA position 456, G replaced by A.
Molecular consequence: intron variant. On other transcripts: synonymous variant (1).
Genome position (GRCh38, 1-based): chr5:59,430,299, C>T on the plus strand (G>A on the coding strand, the complement: PDE4D is on the minus strand). VCF-style: chr5-59430299-C-T. GRCh37 (hg19) VCF-style: chr5-58726125-C-T.
Other names: c.120G>A, p.Arg40= (NM_001349242.2); c.273-214331G>A (NM_001364599.1, NM_001165899.2, NM_001364600.2); c.-239-214331G>A (NM_001349243.2); c.243-214331G>A (NM_001349241.2); c.264-214331G>A (NM_001197218.2, NM_001364602.2, NM_001364601.1); c.-495-214331G>A (NM_001364603.1); c.-240+156030G>A (NM_001364604.1); c.47+156030G>A (NM_006203.5).
Identifiers: ClinVar variation 2655474 (VCV002655474.25), dbSNP rs912088248, ClinGen allele CA119220380.